The following is an entry in ClinVar:

ClinVar aggregate classification (germline): Uncertain significance (1 of 4 stars; one submission).

Submission:

GeneDx
Classification: Uncertain significance. Last evaluated: 2023-06-21. Review status: criteria provided, single submitter. Criteria: GeneDx Variant Classification Process June 2021. Collection method: clinical testing. Allele origin: germline. Affected: yes.
Comment: Has not been previously published as pathogenic or benign to our knowledge; Not observed at significant frequency in large population cohorts (gnomAD); In silico analysis supports that this missense variant has a deleterious effect on protein structure/function

NM_013275.6(ANKRD11):c.92A>C (p.Lys31Thr)

Gene: ANKRD11 (ankyrin repeat domain containing 11; minus strand). Cytogenetic location: 16q24.3.
Variant type: single nucleotide variant.
Coding change: c.92A>C on transcript NM_013275.6 (MANE Select); coding-DNA position 92, A replaced by C.
Protein change: p.Lys31Thr; replaces lysine 31 with threonine.
Molecular consequence: missense variant. On other transcripts: non-coding transcript variant (1).
Genome position (GRCh38, 1-based): chr16:89,305,340, T>G on the plus strand (A>C on the coding strand, the complement: ANKRD11 is on the minus strand). VCF-style: chr16-89305340-T-G. GRCh37 (hg19) VCF-style: chr16-89371748-T-G.
Other names: c.92A>C, p.Lys31Thr (NM_001256182.2, NM_001256183.2); short protein forms K31T.
Identifiers: ClinVar variation 3360244 (VCV003360244.1).